The following is an entry in ClinVar:

NM_003628.6(PKP4):c.3544G>A (p.Glu1182Lys)

Genes: PKP4 (plakophilin 4; plus strand), PKP4-AS1 (PKP4 antisense RNA 1; minus strand). Cytogenetic location: 2q24.1.
Variant type: single nucleotide variant.
Coding change: c.3544G>A on transcript NM_003628.6 (MANE Select); coding-DNA position 3544, G replaced by A.
Protein change: p.Glu1182Lys; replaces glutamic acid 1182 with lysine.
Molecular consequence: missense variant.
Genome position (GRCh38, 1-based): chr2:158,680,642, G>A. VCF-style: chr2-158680642-G-A. GRCh37 (hg19) VCF-style: chr2-159537154-G-A.
Other names: c.3415G>A, p.Glu1139Lys (NM_001005476.4, NM_001377225.1); c.3541G>A, p.Glu1181Lys (NM_001304969.3, NM_001377219.1, NM_001377220.1 and 1 more transcripts); c.2515G>A, p.Glu839Lys (NM_001304970.3); c.3544G>A, p.Glu1182Lys (NM_001377218.1); c.3538G>A, p.Glu1180Lys (NM_001377222.1, NM_001377223.1); c.3535G>A, p.Glu1179Lys (NM_001377224.1); c.3412G>A, p.Glu1138Lys (NM_001377226.1); short protein forms E1139K, E1179K, E1181K, E1138K, E1180K, E1182K, E839K.
Identifiers: ClinVar variation 2496860 (VCV002496860.3), dbSNP rs773048954, ClinGen allele CA1921373.

ClinVar aggregate classification (germline): Uncertain significance (1 of 4 stars; one submission).

Allele frequency attached by ClinVar (database versions not stated): gnomAD 0.00003; gnomAD exomes 0.00003; TOPMed 0.00009; ExAC 0.00014.
gnomAD v4.1: 46 of 1,613,832 alleles (0.0029%); highest among the groups gnomAD compares: Admixed American, 0.077%; no homozygotes.

Submission:

Ambry Genetics
Classification: Uncertain significance. Last evaluated: 2025-05-23. Review status: criteria provided, single submitter. Criteria: Ambry Variant Classification Scheme 2023. Collection method: clinical testing. Allele origin: germline.
Comment: The p.E1182K variant (also known as c.3544G>A), located in coding exon 21 of the PKP4 gene, results from a G to A substitution at nucleotide position 3544. The glutamic acid at codon 1182 is replaced by lysine, an amino acid with similar properties. This amino acid position is conserved. In addition, the in silico prediction for this alteration is inconclusive. Since supporting evidence is limited at this time, the clinical significance of this alteration remains unclear.